The following is an entry in ClinVar:

NM_001286.5(CLCN6):c.2294_2295+9del

Gene: CLCN6 (Cl-/H+ antiporter 6; plus strand). Cytogenetic location: 1p36.22.
Variant type: Deletion.
Coding change: c.2294_2295+9del on transcript NM_001286.5 (MANE Select); coding-DNA position 2294 through 9 bases into the intron after coding-DNA position 2295, 11 bases deleted (CGGTAAGTCTC).
Molecular consequence: splice donor variant.
Genome position (GRCh38, 1-based): chr1:11,837,498-11,837,508, CGGTAAGTCTC deleted. VCF-style (leftmost placement, unchanged base first): chr1-11837497-TCGGTAAGTCTC-T. GRCh37 (hg19) VCF-style: chr1-11897554-TCGGTAAGTCTC-T.
Other names: c.2228_2229+9del (NM_001256959.2).
Identifiers: ClinVar variation 5007940 (VCV005007940.1).

ClinVar aggregate classification (germline): Uncertain significance (1 of 4 stars; one submission).

Submission:

GeneDx
Classification: Uncertain significance. Last evaluated: 2026-02-28. Review status: criteria provided, single submitter. Criteria: GeneDx Variant Classification Process June 2021. Collection method: clinical testing. Allele origin: germline.
Comment: Not observed at significant frequency in large population cohorts (gnomAD); Has not been previously published as pathogenic or benign to our knowledge; Canonical splice site variant in a gene for which loss of function is not an established mechanism of disease